The following is an entry in ClinVar:

NM_003560.4(PLA2G6):c.209+4G>A

Gene: PLA2G6 (phospholipase A2 group VI; minus strand). Cytogenetic location: 22q13.1.
Variant type: single nucleotide variant.
Coding change: c.209+4G>A on transcript NM_003560.4 (MANE Select); 4 bases into the intron after coding-DNA position 209, G replaced by A.
Molecular consequence: intron variant.
Genome position (GRCh38, 1-based): chr22:38,169,214, C>T on the plus strand (G>A on the coding strand, the complement: PLA2G6 is on the minus strand). VCF-style: chr22-38169214-C-T. GRCh37 (hg19) VCF-style: chr22-38565221-C-T.
Other names: c.-282+4G>A (NM_001349868.2); c.209+4G>A (NM_001349866.2, NM_001199562.3, NM_001349865.2 and 2 more transcripts); c.-457+4G>A (NM_001349869.2, NM_001349867.2).
Identifiers: ClinVar variation 1357854 (VCV001357854.6), dbSNP rs2145929293, ClinGen allele CA2573158202.

ClinVar aggregate classification (germline): Uncertain significance (1 of 4 stars; one submission).

Conditions:
Infantile neuroaxonal dystrophy (NBIA2A). Also called: NEURODEGENERATION WITH BRAIN IRON ACCUMULATION 2A; SEITELBERGER DISEASE; Infantile neuroaxonal dystrophy 1. Identifiers: Orphanet 35069, MedGen C0270724, MONDO:0024457, OMIM 256600.

Submission:

Labcorp Genetics (formerly Invitae), Labcorp
Classification: Uncertain significance for Infantile neuroaxonal dystrophy. Last evaluated: 2021-05-31. Review status: criteria provided, single submitter. Criteria: Invitae Variant Classification Sherloc (09022015). Collection method: clinical testing. Allele origin: germline.
Comment: In summary, the available evidence is currently insufficient to determine the role of this variant in disease. Therefore, it has been classified as a Variant of Uncertain Significance. Nucleotide substitutions within the consensus splice site are a relatively common cause of aberrant splicing (PMID: 17576681, 9536098). Algorithms developed to predict the effect of sequence changes on RNA splicing suggest that this variant is not likely to affect RNA splicing, but this prediction has not been confirmed by published transcriptional studies. This sequence change falls in intron 2 of the PLA2G6 gene. It does not directly change the encoded amino acid sequence of the PLA2G6 protein. It affects a nucleotide within the consensus splice site of the intron. This variant has not been reported in the literature in individuals with PLA2G6-related conditions. This variant is not present in population databases (ExAC no frequency).

Literature cited by the submitters: PubMed 17576681; PubMed 9536098.